The following is an entry in ClinVar:

ClinVar aggregate classification (germline): Uncertain significance (1 of 4 stars; one submission).

Submission:

Labcorp Genetics (formerly Invitae), Labcorp
Classification: Uncertain significance. Last evaluated: 2024-05-07. Review status: criteria provided, single submitter. Criteria: Invitae Variant Classification Sherloc (09022015). Collection method: clinical testing. Allele origin: germline.
Comment: This sequence change replaces phenylalanine, which is neutral and non-polar, with leucine, which is neutral and non-polar, at codon 1194 of the SI protein (p.Phe1194Leu). This variant is not present in population databases (gnomAD no frequency). This variant has not been reported in the literature in individuals affected with SI-related conditions. Advanced modeling of protein sequence and biophysical properties (such as structural, functional, and spatial information, amino acid conservation, physicochemical variation, residue mobility, and thermodynamic stability) has been performed at Invitae for this missense variant, however the output from this modeling did not meet the statistical confidence thresholds required to predict the impact of this variant on SI protein function. In summary, the available evidence is currently insufficient to determine the role of this variant in disease. Therefore, it has been classified as a Variant of Uncertain Significance.

NM_001041.4(SI):c.3582T>G (p.Phe1194Leu)

Gene: SI (sucrase-isomaltase; minus strand). Cytogenetic location: 3q26.1.
Variant type: single nucleotide variant.
Coding change: c.3582T>G on transcript NM_001041.4 (MANE Select); coding-DNA position 3582, T replaced by G.
Protein change: p.Phe1194Leu; replaces phenylalanine 1194 with leucine.
Molecular consequence: missense variant.
Genome position (GRCh38, 1-based): chr3:165,017,812, A>C on the plus strand (T>G on the coding strand, the complement: SI is on the minus strand). VCF-style: chr3-165017812-A-C. GRCh37 (hg19) VCF-style: chr3-164735600-A-C.
Other names: short protein forms F1194L.
Identifiers: ClinVar variation 3609514 (VCV003609514.2).